The following is an entry in ClinVar:

NM_022772.4(EPS8L2):c.475G>A (p.Glu159Lys)

Genes: EPS8L2 (EPS8 signaling adaptor L2; plus strand), LOC130005076 (ATAC-STARR-seq lymphoblastoid silent region 3016; plus strand). Cytogenetic location: 11p15.5.
Variant type: single nucleotide variant.
Coding change: c.475G>A on transcript NM_022772.4 (MANE Select); coding-DNA position 475, G replaced by A.
Protein change: p.Glu159Lys; replaces glutamic acid 159 with lysine.
Molecular consequence: missense variant.
Genome position (GRCh38, 1-based): chr11:720,744, G>A. VCF-style: chr11-720744-G-A. GRCh37 (hg19) VCF-style: chr11-720744-G-A.
Other names: short protein forms E159K.
Identifiers: ClinVar variation 1946781 (VCV001946781.5), dbSNP rs909888133, ClinGen allele CA216939057.
Genomic context (GRCh38, chr11:720,744, plus strand): 5'-GTGTGCCAGGACTCGGAGCAGAGCAAGCCGGATGTCCACTTCTTCCACTGCGATGAGGTG[G>A]AGGTGAGGCGGTGCCGGGCGGGGCAGGGTGGGGCCCCGCCGCGCCGCGCCCCGCCCTCCT-3'
Protein context (NP_073609.2, residues 149-169): DVHFFHCDEV[Glu159Lys]AELVHEDIES

ClinVar aggregate classification (germline): Uncertain significance (1 of 4 stars; one submission).

Allele frequency attached by ClinVar (database versions not stated): gnomAD exomes below 0.00001; TOPMed below 0.00001.
gnomAD v4.1: 6 of 1,564,520 alleles (0.00038%); highest among the groups gnomAD compares: Non-Finnish European, 0.00052%; no homozygotes.

Submission:

Labcorp Genetics (formerly Invitae), Labcorp
Classification: Uncertain significance. Last evaluated: 2021-12-02. Review status: criteria provided, single submitter. Criteria: Invitae Variant Classification Sherloc (09022015). Collection method: clinical testing. Allele origin: germline.
Comment: This variant has not been reported in the literature in individuals affected with EPS8L2-related conditions. Algorithms developed to predict the effect of missense changes on protein structure and function are either unavailable or do not agree on the potential impact of this missense change (SIFT: "Tolerated"; PolyPhen-2: "Possibly Damaging"; Align-GVGD: "Class C0"). In summary, the available evidence is currently insufficient to determine the role of this variant in disease. Therefore, it has been classified as a Variant of Uncertain Significance. This variant is not present in population databases (gnomAD no frequency). This sequence change replaces glutamic acid, which is acidic and polar, with lysine, which is basic and polar, at codon 159 of the EPS8L2 protein (p.Glu159Lys).